The following is an entry in ClinVar:

NM_001253697.2(ERBIN):c.305A>C (p.Asn102Thr)

Gene: ERBIN (erbb2 interacting protein; plus strand). Cytogenetic location: 5q12.3.
Variant type: single nucleotide variant.
Coding change: c.305A>C on transcript NM_001253697.2 (MANE Select); coding-DNA position 305, A replaced by C.
Protein change: p.Asn102Thr; replaces asparagine 102 with threonine.
Molecular consequence: missense variant.
Genome position (GRCh38, 1-based): chr5:65,994,862, A>C. VCF-style: chr5-65994862-A-C. GRCh37 (hg19) VCF-style: chr5-65290690-A-C.
Other names: c.305A>C, p.Asn102Thr (NM_001006600.3, NM_001253698.2, NM_001253699.2 and 2 more transcripts); short protein forms N102T.
Identifiers: ClinVar variation 3019505 (VCV003019505.3), dbSNP rs2546615427, ClinGen allele CA359972356.

ClinVar aggregate classification (germline): Uncertain significance (1 of 4 stars; one submission).

Allele frequency attached by ClinVar (database versions not stated): gnomAD exomes below 0.00001.
gnomAD v4.1: 1 of 1,582,152 alleles (0.000063%); highest among the groups gnomAD compares: Non-Finnish European, 0.000086%; no homozygotes.

Submission:

Labcorp Genetics (formerly Invitae), Labcorp
Classification: Uncertain significance. Last evaluated: 2023-10-05. Review status: criteria provided, single submitter. Criteria: Invitae Variant Classification Sherloc (09022015). Collection method: clinical testing. Allele origin: germline.
Comment: This sequence change replaces asparagine, which is neutral and polar, with threonine, which is neutral and polar, at codon 102 of the ERBIN protein (p.Asn102Thr). This variant is not present in population databases (gnomAD no frequency). This variant has not been reported in the literature in individuals affected with ERBIN-related conditions. An algorithm developed to predict the effect of missense changes on protein structure and function (PolyPhen-2) suggests that this variant is likely to be disruptive. In summary, the available evidence is currently insufficient to determine the role of this variant in disease. Therefore, it has been classified as a Variant of Uncertain Significance.